The following is an entry in ClinVar:

NC_000005.9:g.(?_13700739)_(13763020_?)dup

Gene: DNAH5 (dynein axonemal heavy chain 5; minus strand). Cytogenetic location: 5p15.2.
Variant type: Duplication.
Identifiers: ClinVar variation 3246265 (VCV003246265.1).

ClinVar aggregate classification (germline): Likely pathogenic (1 of 4 stars; one submission).

Conditions:
Primary ciliary dyskinesia. Also called: Ciliary dyskinesia. Identifiers: Orphanet 244, MedGen C0008780, MONDO:0016575, HP:0012265.

Submission:

Labcorp Genetics (formerly Invitae), Labcorp
Classification: Likely pathogenic for Primary ciliary dyskinesia. Last evaluated: 2022-11-10. Review status: criteria provided, single submitter. Criteria: Invitae Variant Classification Sherloc (09022015). Collection method: clinical testing. Allele origin: unknown.
Comment: In summary, the currently available evidence indicates that the variant is pathogenic, but additional data are needed to prove that conclusively. Therefore, this variant has been classified as Likely Pathogenic. This variant has not been reported in the literature in individuals affected with DNAH5-related conditions. This variant results in a copy number gain of the genomic region encompassing exon(s) 60-78 of the DNAH5 gene. While the exact position of this variant cannot be determined from the data, sub-genic copy number gains are generally in tandem (PMID: 25640679). This variant is predicted to be out-of-frame, and may result in an absent or disrupted protein product. Loss-of-function variants in DNAH5 are known to be pathogenic (PMID: 11788826, 16627867).

Literature cited by the submitters: PubMed 25640679; PubMed 11788826; PubMed 16627867.